The following is an entry in ClinVar:

NM_000875.5(IGF1R):c.*6186G>A

Gene: IGF1R (insulin like growth factor 1 receptor; plus strand). Cytogenetic location: 15q26.3.
Variant type: single nucleotide variant.
Coding change: c.*6186G>A on transcript NM_000875.5 (MANE Select); 6186 bases downstream of the stop codon, G replaced by A.
Molecular consequence: 3 prime UTR variant.
Genome position (GRCh38, 1-based): chr15:98,963,628, G>A. VCF-style: chr15-98963628-G-A. GRCh37 (hg19) VCF-style: chr15-99506857-G-A.
Other names: c.*6186G>A (NM_001291858.2).
Identifiers: ClinVar variation 317634 (VCV000317634.5), dbSNP rs73465768, ClinGen allele CA10636850.

ClinVar aggregate classification (germline): Benign (1 of 4 stars; one submission).

Conditions:
Growth delay due to insulin-like growth factor I resistance. Also called: Somatomedin end-organ insensitivity to; Somatomedin-c resistance to; IGF-1 resistance; IGF-I RESISTANCE; Insulin-Like Growth Factor I Resistance. Identifiers: Orphanet 73273, MedGen C1849157, MONDO:0010038, OMIM 270450.

Allele frequency attached by ClinVar (database versions not stated): gnomAD exomes 0.00221; 1000 Genomes Project 0.01078; gnomAD 0.01174 and 0.01276; 1000 Genomes Project 30x 0.01202; TOPMed 0.01329.
gnomAD v4.1: 1,966 of 233,240 alleles (0.84%); highest among the groups gnomAD compares: African/African-American, 4.1%; 37 homozygotes.

Submission:

Illumina Laboratory Services, Illumina
Classification: Benign for Growth delay due to insulin-like growth factor I resistance. Last evaluated: 2018-01-13. Review status: criteria provided, single submitter. Criteria: ICSL Variant Classification Criteria 13 December 2019. Collection method: clinical testing. Allele origin: germline.
Comment: This variant was observed in the ICSL laboratory as part of a predisposition screen in an ostensibly healthy population. It had not been previously curated by ICSL or reported in the Human Gene Mutation Database (HGMD: prior to June 1st, 2018), and was therefore a candidate for classification through an automated scoring system. Utilizing variant allele frequency, disease prevalence and penetrance estimates, and inheritance mode, an automated score was calculated to assess if this variant is too frequent to cause the disease. Based on the score and internal cut-off values, a variant classified as benign is not then subjected to further curation. The score for this variant resulted in a classification of benign for this disease.